The following is an entry in ClinVar:

ClinVar aggregate classification (germline): Uncertain significance (1 of 4 stars; one submission).

Conditions:
Orthostatic hypotension 1 (ORTHYP1). Also called: Dopamine beta-hydroxylase deficiency; NORADRENALINE DEFICIENCY; NOREPINEPHRINE DEFICIENCY; Orthostatic hypotension 1, due to DBH deficiency. Identifiers: Orphanet 230, MedGen C4746777, MONDO:0009123, OMIM 223360.

Allele frequency attached by ClinVar (database versions not stated): TOPMed below 0.00001.
gnomAD v4.1: 12 of 1,613,762 alleles (0.00074%); highest among the groups gnomAD compares: African/African-American, 0.0013%; no homozygotes.

Submission:

Labcorp Genetics (formerly Invitae), Labcorp
Classification: Uncertain significance for Orthostatic hypotension 1. Last evaluated: 2022-06-11. Review status: criteria provided, single submitter. Criteria: Invitae Variant Classification Sherloc (09022015). Collection method: clinical testing. Allele origin: germline.
Comment: This sequence change falls in intron 7 of the DBH gene. It does not directly change the encoded amino acid sequence of the DBH protein. This variant is present in population databases (rs748265833, gnomAD 0.0009%). This variant has not been reported in the literature in individuals affected with DBH-related conditions. Algorithms developed to predict the effect of sequence changes on RNA splicing suggest that this variant may disrupt the consensus splice site. In summary, the available evidence is currently insufficient to determine the role of this variant in disease. Therefore, it has been classified as a Variant of Uncertain Significance.

NM_000787.4(DBH):c.1336-17G>A

Gene: DBH (dopamine beta-hydroxylase; plus strand). Cytogenetic location: 9q34.2.
Variant type: single nucleotide variant.
Coding change: c.1336-17G>A on transcript NM_000787.4 (MANE Select); 17 bases into the intron before coding-DNA position 1336, G replaced by A.
Molecular consequence: intron variant.
Genome position (GRCh38, 1-based): chr9:133,652,229, G>A. VCF-style: chr9-133652229-G-A. GRCh37 (hg19) VCF-style: chr9-136517351-G-A.
Identifiers: ClinVar variation 2177715 (VCV002177715.1), dbSNP rs748265833, ClinGen allele CA5313453.